The following is an entry in ClinVar:

ClinVar aggregate classification (germline): Likely pathogenic (0 of 4 stars; one submission).

Conditions:
PRKAR1B-related disorder. Also called: PRKAR1B-related condition.

Submission:

PreventionGenetics, part of Exact Sciences
Classification: Likely pathogenic for PRKAR1B-related condition. Last evaluated: 2024-04-18. Review status: no assertion criteria provided. Collection method: clinical testing. Allele origin: germline.
Comment: The PRKAR1B c.926A>C variant is predicted to result in the amino acid substitution p.Asn309Thr. To our knowledge, this variant has not been reported in the literature or in a large population database, indicating this variant is rare. This variant is interpreted as likely pathogenic.

NM_001164760.2(PRKAR1B):c.926A>C (p.Asn309Thr)

Gene: PRKAR1B (protein kinase cAMP-dependent type I regulatory subunit beta; minus strand). Cytogenetic location: 7p22.3.
Variant type: single nucleotide variant.
Coding change: c.926A>C on transcript NM_001164760.2 (MANE Select); coding-DNA position 926, A replaced by C.
Protein change: p.Asn309Thr; replaces asparagine 309 with threonine.
Molecular consequence: missense variant.
Genome position (GRCh38, 1-based): chr7:551,436, T>G on the plus strand (A>C on the coding strand, the complement: PRKAR1B is on the minus strand). VCF-style: chr7-551436-T-G. GRCh37 (hg19) VCF-style: chr7-591073-T-G.
Other names: c.926A>C, p.Asn309Thr (NM_001164758.2, NM_001164759.1, NM_001164761.2 and 2 more transcripts); short protein forms N309T.
Identifiers: ClinVar variation 3349891 (VCV003349891.1).